The following is an entry in ClinVar:

ClinVar aggregate classification (germline): Pathogenic/Likely pathogenic. Review status: criteria provided, multiple submitters, no conflicts (2 of 4 stars). 8 submissions from 8 submitters: Pathogenic (2); Likely pathogenic (4). 2 of the submissions do not count toward it. Last evaluated 2026-01-02.

Conditions:
Cerebroretinal microangiopathy with calcifications and cysts 1 (CRMCC1). Identifiers: Orphanet 313838, MedGen C4552029, MONDO:0024564, OMIM 612199.
Dyskeratosis congenita. Identifiers: Orphanet 1775, MedGen C0265965, MONDO:0015780.
CTC1-related disorder. Also called: CTC1-related condition.

Allele frequency attached by ClinVar (database versions not stated): ExAC 0.00001; gnomAD exomes 0.00002 and 0.00003; gnomAD 0.00003; TOPMed 0.00004.

Submissions (8):

Dasa
Classification: Likely pathogenic. Last evaluated: 2026-01-02. Review status: criteria provided, single submitter. Criteria: DASA Assertion Criteria. Collection method: clinical testing. Allele origin: germline.
Comment: NM_025099.6(CTC1):c.2996_2997del (p.Pro999Argfs*15) is a frameshift variant in CTC1 predicted to alter the reading frame and introduce a premature termination codon and is predicted to result in an absent or altered protein product. Loss of function is an established disease mechanism for CTC1-associated disorders. Also, this variant is rare in population databases. Based on the currently available evidence, this variant is classified as likely pathogenic.

Labcorp Genetics (formerly Invitae), Labcorp
Classification: Pathogenic for Dyskeratosis congenita. Last evaluated: 2025-09-14. Review status: criteria provided, single submitter. Criteria: Invitae Variant Classification Sherloc (09022015). Collection method: clinical testing. Allele origin: germline.
Comment: This sequence change creates a premature translational stop signal (p.Pro999Argfs*15) in the CTC1 gene. It is expected to result in an absent or disrupted protein product. Loss-of-function variants in CTC1 are known to be pathogenic (PMID: 22267198, 22387016). This variant is present in population databases (rs761922947, gnomAD 0.01%). This variant has not been reported in the literature in individuals affected with CTC1-related conditions. ClinVar contains an entry for this variant (Variation ID: 647135). For these reasons, this variant has been classified as Pathogenic.

Women's Health and Genetics/Laboratory Corporation of America, LabCorp
Classification: Pathogenic for Cerebroretinal microangiopathy with calcifications and cysts 1. Last evaluated: 2024-08-01. Review status: criteria provided, single submitter. Criteria: LabCorp Variant Classification Summary - May 2015. Collection method: clinical testing. Allele origin: germline.
Comment: Variant summary: CTC1 c.2996_2997delCT (p.Pro999ArgfsX15) results in a premature termination codon, predicted to cause a truncation of the encoded protein or absence of the protein due to nonsense mediated decay, which are commonly known mechanisms for disease. The variant allele was found at a frequency of 2.8e-05 in 249520 control chromosomes. c.2996_2997delCT has been reported in the literature in the heterozygous state in one individual affected with paroxysmal nocturnal haemoglobinuria (e.g., Shen_2019). These report(s) do not provide unequivocal conclusions about association of the variant with Cerebroretinal Microangiopathy With Calcifications And Cysts 1. To our knowledge, no experimental evidence demonstrating an impact on protein function has been reported. The following publication have been ascertained in the context of this evaluation (PMID: 30891747). ClinVar contains an entry for this variant (Variation ID: 647135). Based on the evidence outlined above, the variant was classified as pathogenic.

ARUP Laboratories, Molecular Genetics and Genomics, ARUP Laboratories
Classification: Likely pathogenic for Cerebroretinal microangiopathy with calcifications and cysts 1. Last evaluated: 2024-03-29. Review status: criteria provided, single submitter. Criteria: ARUP Molecular Germline Variant Investigation Process 2024. Collection method: clinical testing. Allele origin: germline.
Comment: The CTC1 c.2996_2997del; p.Pro999ArgfsTer15 variant (rs761922947) is reported in the literature as a monoallelic, heterozygous variant in an individual with adult-onset PNH (Shen 2019). This variant is also reported in ClinVar (Variation ID: 647135). This variant is found in the Admixed Amerian population with an allele frequency of 0.01% (4/34,522 alleles) in the Genome Aggregation Database (v2.1.1). This variant causes a frameshift by deleting two nucleotides, so it is predicted to result in a truncated protein or mRNA subject to nonsense-mediated decay. Based on available information, this variant is considered to be likely pathogenic. References: Shen W et al. Impact of germline CTC1 alterations on telomere length in acquired bone marrow failure. Br J Haematol. 2019 Jun. PMID: 30891747.

Fulgent Genetics
Classification: Likely pathogenic for Cerebroretinal microangiopathy with calcifications and cysts 1. Last evaluated: 2024-01-20. Review status: criteria provided, single submitter. Criteria: ACMG Guidelines, 2015. Collection method: clinical testing. Allele origin: germline.

Blueprint Genetics
Classification: Likely pathogenic for CTC1-related disorders. Last evaluated: 2021-06-10. Review status: criteria provided, single submitter. Criteria: ACMG Guidelines, 2015. Collection method: clinical testing. Allele origin: germline. Affected: yes. Observed: 3 variant alleles.

PreventionGenetics, part of Exact Sciences
Classification: Pathogenic for CTC1-related condition. Last evaluated: 2024-05-03. Review status: no assertion criteria provided. Collection method: clinical testing. Allele origin: germline. Not counted in ClinVar's aggregate classification.
Comment: The CTC1 c.2996_2997delCT variant is predicted to result in a frameshift and premature protein termination (p.Pro999Argfs*15). This variant has been reported in an individual with paroxysmal nocturnal hemoglobinuria (Shen et al. 2019. PubMed ID: 30891747). This variant is reported in 0.012% of alleles in individuals of Latino descent in gnomAD. Frameshift variants in CTC1 are expected to be pathogenic. This variant is interpreted as pathogenic.

GeneDx
Classification: Uncertain significance. Last evaluated: 2024-08-01. Review status: flagged submission. Criteria: GeneDx Variant Classification Process June 2021. Collection method: clinical testing. Allele origin: germline. Affected: yes. Not counted in ClinVar's aggregate classification.
Comment: Frameshift variant predicted to result in protein truncation or nonsense mediated decay in a gene for which loss of function is a known mechanism of disease; Reported in individual with paroxysmal nocturnal hemoglobinuria (PMID: 30891747); This variant is associated with the following publications: (PMID: 30891747)
ClinVar note: Reason: Outlier claim with insufficient supporting evidence

Literature cited by the submitters: PubMed 22267198 (cited by Labcorp Genetics (formerly Invitae), Labcorp); PubMed 22387016 (cited by Labcorp Genetics (formerly Invitae), Labcorp); PubMed 30891747 (cited by Women's Health and Genetics/Laboratory Corporation of America, LabCorp).

NM_025099.6(CTC1):c.2996_2997del (p.Pro999fs)

Gene: CTC1 (CST telomere replication complex component 1; minus strand). Cytogenetic location: 17p13.1.
Variant type: Deletion.
Coding change: c.2996_2997del on transcript NM_025099.6 (MANE Select); coding-DNA positions 2996 to 2997, 2 bases deleted (CT; older notation c.2996_2997delCT).
Protein change: p.Pro999fs; shifts the reading frame from proline 999.
Molecular consequence: frameshift variant. On other transcripts: non-coding transcript variant (1).
Genome position (GRCh38, 1-based): chr17:8,229,905-8,229,906, AG deleted on the plus strand (CT on the coding strand, the reverse complement: CTC1 is on the minus strand). VCF-style (leftmost placement, unchanged base first): chr17-8229904-CAG-C. GRCh37 (hg19) VCF-style: chr17-8133222-CAG-C.
Other names: c.2996_2997del (NM_025099.5); c.2996_2997delCT (NM_025099.6); short protein forms P999fs.
Identifiers: ClinVar variation 647135 (VCV000647135.19), dbSNP rs761922947, ClinGen allele CA8371923.